The following is an entry in ClinVar:

NM_004655.4(AXIN2):c.1912C>T (p.Gln638Ter)

Gene: AXIN2 (axin 2; minus strand). Cytogenetic location: 17q24.1.
Variant type: single nucleotide variant.
Coding change: c.1912C>T on transcript NM_004655.4 (MANE Select); coding-DNA position 1912, C replaced by T.
Protein change: p.Gln638Ter; replaces glutamine 638 with a stop codon.
Molecular consequence: nonsense.
Genome position (GRCh38, 1-based): chr17:65,536,549, G>A on the plus strand (C>T on the coding strand, the complement: AXIN2 is on the minus strand). VCF-style: chr17-65536549-G-A. GRCh37 (hg19) VCF-style: chr17-63532667-G-A.
Other names: c.1912C>T (LRG_296t1); c.1717C>T, p.Gln573Ter (NM_001363813.1); short protein forms Q573*, Q638*.
Identifiers: ClinVar variation 664235 (VCV000664235.12), dbSNP rs1598097196, ClinGen allele CA400676350.

ClinVar aggregate classification (germline): Pathogenic. Review status: criteria provided, multiple submitters, no conflicts (2 of 4 stars). 3 submissions from 3 submitters: Pathogenic (3). Last evaluated 2025-11-05.

Conditions:
Hereditary cancer-predisposing syndrome. Also called: Tumor predisposition; Hereditary neoplastic syndrome; Neoplastic Syndromes, Hereditary; Hereditary Cancer Syndrome. Identifiers: Orphanet 140162, MedGen C0027672, MeSH D009386, MONDO:0015356.
Oligodontia-cancer predisposition syndrome. Also called: TOOTH AGENESIS-COLORECTAL CANCER SYNDROME. Identifiers: Orphanet 300576, MedGen C1837750, MONDO:0012075, OMIM 608615. Disease mechanism: loss of function.

Submissions (3):

Myriad Genetics, Inc.
Classification: Pathogenic for Oligodontia-cancer predisposition syndrome. Last evaluated: 2025-11-05. Review status: criteria provided, single submitter. Criteria: Myriad Autosomal Dominant, Autosomal Recessive and X-Linked Classification Criteria (2023). Collection method: clinical testing. Allele origin: unknown.
Comment: This variant is considered pathogenic. This variant creates a termination codon and is predicted to result in premature protein truncation.

Labcorp Genetics (formerly Invitae), Labcorp
Classification: Pathogenic for Oligodontia-cancer predisposition syndrome. Last evaluated: 2024-04-22. Review status: criteria provided, single submitter. Criteria: Invitae Variant Classification Sherloc (09022015). Collection method: clinical testing. Allele origin: germline.
Comment: This sequence change creates a premature translational stop signal (p.Gln638*) in the AXIN2 gene. It is expected to result in an absent or disrupted protein product. Loss-of-function variants in AXIN2 are known to be pathogenic (PMID: 15042511, 21416598). This variant is not present in population databases (gnomAD no frequency). This variant has not been reported in the literature in individuals affected with AXIN2-related conditions. ClinVar contains an entry for this variant (Variation ID: 664235). For these reasons, this variant has been classified as Pathogenic.

Ambry Genetics
Classification: Pathogenic for Hereditary cancer-predisposing syndrome. Last evaluated: 2020-11-17. Review status: criteria provided, single submitter. Criteria: Ambry Variant Classification Scheme 2023. Collection method: clinical testing. Allele origin: germline.
Comment: The p.Q638* pathogenic mutation (also known as c.1912C>T), located in coding exon 7 of the AXIN2 gene, results from a C to T substitution at nucleotide position 1912. This changes the amino acid from a glutamine to a stop codon within coding exon 7. This alteration is expected to result in loss of function by premature protein truncation or nonsense-mediated mRNA decay. As such, this alteration is interpreted as a disease-causing mutation.

Literature cited by the submitters: PubMed 15042511 (cited by Labcorp Genetics (formerly Invitae), Labcorp); PubMed 21416598 (cited by Labcorp Genetics (formerly Invitae), Labcorp).